The following is an entry in ClinVar:

ClinVar aggregate classification (germline): Pathogenic/Likely pathogenic. Review status: criteria provided, multiple submitters, no conflicts (2 of 4 stars). 6 submissions from 6 submitters: Pathogenic (3); Likely pathogenic (3). Last evaluated 2026-07-08.

Conditions:
CEP152-related disorder. Also called: CEP152-related condition; CEP152-related disorders. Identifiers: MedGen CN239248.
Microcephaly 9, primary, autosomal recessive. Identifiers: Orphanet 2512, MedGen C3553886, MONDO:0013923, OMIM 614852.

Submissions (6):

PreventionGenetics, part of Exact Sciences
Classification: Likely pathogenic for CEP152-related condition. Last evaluated: 2026-07-08. Review status: criteria provided, single submitter. Criteria: ACMG Guidelines, 2015. Collection method: clinical testing. Allele origin: germline.
Comment: The CEP152 c.3212delT variant is predicted to result in a frameshift and premature protein termination (p.Leu1071Trpfs*20). To our knowledge, this variant has not been reported in the literature or in a large population database (gnomAD), indicating this variant is rare. Frameshift variants in CEP152 are expected to be pathogenic. This variant is interpreted as likely pathogenic.

Genomic Medicine Center of Excellence, King Faisal Specialist Hospital and Research Centre
Classification: Pathogenic for Microcephaly 9, primary, autosomal recessive. Last evaluated: 2024-03-25. Review status: criteria provided, single submitter. Criteria: ACMG Guidelines, 2015. Collection method: clinical testing. Allele origin: germline.

Women's Health and Genetics/Laboratory Corporation of America, LabCorp
Classification: Likely pathogenic for CEP152-related disorder. Last evaluated: 2023-04-06. Review status: criteria provided, single submitter. Criteria: LabCorp Variant Classification Summary - May 2015. Collection method: clinical testing. Allele origin: germline.
Comment: Variant summary: CEP152 c.3212delT (p.Leu1071TrpfsX20) results in a premature termination codon, predicted to cause a truncation of the encoded protein or absence of the protein due to nonsense mediated decay, which are commonly known mechanisms for disease. The variant was absent in 249464 control chromosomes (gnomAD). To our knowledge, no occurrence of c.3212delT in individuals affected with CEP152-Related Disorders and no experimental evidence demonstrating its impact on protein function have been reported. Two ClinVar submitters have assessed the variant since 2014: both classified the variant as pathogenic. Based on the evidence outlined above, the variant was classified as likely pathogenic.

Blueprint Genetics
Classification: Likely pathogenic for CEP152-related disorders. Last evaluated: 2022-09-20. Review status: criteria provided, single submitter. Criteria: ACMG Guidelines, 2015. Collection method: clinical testing. Allele origin: germline. Affected: yes. Observed: 2 variant alleles.

GeneDx
Classification: Pathogenic. Last evaluated: 2020-09-11. Review status: criteria provided, single submitter. Criteria: GeneDx Variant Classification Process June 2021. Collection method: clinical testing. Allele origin: germline. Affected: yes.
Comment: Frameshift variant predicted to result in protein truncation or nonsense mediated decay in a gene for which loss-of-function is a known mechanism of disease; Not observed in large population cohorts (Lek et al., 2016); Has not been previously published as pathogenic or benign to our knowledge

Genetic Services Laboratory, University of Chicago
Classification: Pathogenic for Microcephaly 9, primary, autosomal recessive. Last evaluated: 2016-12-02. Review status: criteria provided, single submitter. Criteria: ACMG Guidelines, 2015. Collection method: clinical testing. Allele origin: germline. Affected: yes.

NM_001194998.2(CEP152):c.3212del (p.Leu1071fs)

Gene: CEP152 (centrosomal protein 152; minus strand). Cytogenetic location: 15q21.1.
Variant type: Deletion.
Coding change: c.3212del on transcript NM_001194998.2 (MANE Select); coding-DNA position 3212, one base deleted (T; older notation c.3212delT).
Protein change: p.Leu1071fs; shifts the reading frame from leucine 1071.
Molecular consequence: frameshift variant.
Genome position (GRCh38, 1-based): chr15:48,756,036, A deleted on the plus strand (T on the coding strand, the reverse complement: CEP152 is on the minus strand); the first of 4 consecutive A bases (chr15:48,756,036-48,756,039); deleting any one gives the same sequence. VCF-style (leftmost placement, unchanged base first): chr15-48756035-CA-C. GRCh37 (hg19) VCF-style: chr15-49048232-CA-C.
Other names: c.3212del, p.Leu1071fs (NM_014985.4); c.3212delT (NM_014985.3, NM_001194998.1); short protein forms L1071fs.
Identifiers: ClinVar variation 434736 (VCV000434736.12), dbSNP rs1555418825, ClinGen allele CA490311157.
Genomic context (GRCh38, chr15:48,756,035, plus strand): 5'-CTTTAGTTTTTCAAAATATTGCACAGACATCCATTTTGAAGAACAAGTCGACATGATTTC[CA>C]AAAGCTGCTTGTCCTCAGAATCACTGATGTGCTCCTTTTGGGTATCACTTAAAAGAACCC-3'